The following is an entry in ClinVar:

ClinVar aggregate classification (germline): Uncertain significance (1 of 4 stars; one submission).

Conditions:
Brugada syndrome 8 (BRGDA8). Identifiers: Orphanet 130, MedGen C2751083, MONDO:0013148, OMIM 613123.

Allele frequency attached by ClinVar (database versions not stated): TOPMed below 0.00001.

Submission:

Labcorp Genetics (formerly Invitae), Labcorp
Classification: Uncertain significance for Brugada syndrome 8. Last evaluated: 2024-08-01. Review status: criteria provided, single submitter. Criteria: Invitae Variant Classification Sherloc (09022015). Collection method: clinical testing. Allele origin: germline.
Comment: This sequence change replaces alanine, which is neutral and non-polar, with valine, which is neutral and non-polar, at codon 32 of the HCN4 protein (p.Ala32Val). This variant is not present in population databases (gnomAD no frequency). This variant has not been reported in the literature in individuals affected with HCN4-related conditions. Advanced modeling of protein sequence and biophysical properties (such as structural, functional, and spatial information, amino acid conservation, physicochemical variation, residue mobility, and thermodynamic stability) performed at Invitae indicates that this missense variant is not expected to disrupt HCN4 protein function with a negative predictive value of 95%. In summary, the available evidence is currently insufficient to determine the role of this variant in disease. Therefore, it has been classified as a Variant of Uncertain Significance.

NM_005477.3(HCN4):c.95C>T (p.Ala32Val)

Gene: HCN4 (hyperpolarization activated cyclic nucleotide gated potassium channel 4; minus strand). Cytogenetic location: 15q24.1.
Variant type: single nucleotide variant.
Coding change: c.95C>T on transcript NM_005477.3 (MANE Select); coding-DNA position 95, C replaced by T.
Protein change: p.Ala32Val; replaces alanine 32 with valine.
Molecular consequence: missense variant.
Genome position (GRCh38, 1-based): chr15:73,368,176, G>A on the plus strand (C>T on the coding strand, the complement: HCN4 is on the minus strand). VCF-style: chr15-73368176-G-A. GRCh37 (hg19) VCF-style: chr15-73660517-G-A.
Other names: short protein forms A32V.
Identifiers: ClinVar variation 2788076 (VCV002788076.3), dbSNP rs2043139122, ClinGen allele CA393099047.